The following is an entry in ClinVar:

NM_001003694.2(BRPF1):c.686A>G (p.Asn229Ser)

Gene: BRPF1 (bromodomain and PHD finger containing 1; plus strand). Cytogenetic location: 3p25.3.
Variant type: single nucleotide variant.
Coding change: c.686A>G on transcript NM_001003694.2 (MANE Select); coding-DNA position 686, A replaced by G.
Protein change: p.Asn229Ser; replaces asparagine 229 with serine.
Molecular consequence: missense variant. On other transcripts: non-coding transcript variant (1).
Genome position (GRCh38, 1-based): chr3:9,739,085, A>G. VCF-style: chr3-9739085-A-G. GRCh37 (hg19) VCF-style: chr3-9780769-A-G.
Other names: c.686A>G, p.Asn229Ser (NM_001319049.2, NM_001319050.2, NM_001410704.1 and 1 more transcripts); short protein forms N229S.
Identifiers: ClinVar variation 2579406 (VCV002579406.1), dbSNP rs2471469323, ClinGen allele CA351684247.

ClinVar aggregate classification (germline): Uncertain significance (1 of 4 stars; one submission).

gnomAD v4.1: 1 of 1,613,592 alleles (0.000062%); no homozygotes.

Submission:

GeneDx
Classification: Uncertain significance. Last evaluated: 2023-03-05. Review status: criteria provided, single submitter. Criteria: GeneDx Variant Classification Process June 2021. Collection method: clinical testing. Allele origin: germline. Affected: yes.
Comment: Not observed at significant frequency in large population cohorts (gnomAD); In silico analysis supports that this missense variant has a deleterious effect on protein structure/function; Has not been previously published as pathogenic or benign to our knowledge